The following is an entry in ClinVar:

ClinVar aggregate classification (germline): Uncertain significance. Review status: criteria provided, multiple submitters, no conflicts (2 of 4 stars). 2 submissions from 2 submitters: Uncertain significance (2). Last evaluated 2025-11-01.

Conditions:
Inborn genetic diseases. Identifiers: MedGen C0950123, MeSH D030342.

Allele frequency attached by ClinVar (database versions not stated): gnomAD 0.00001; TOPMed 0.00003; gnomAD exomes 0.00001; ExAC 0.00002.

Submissions (2):

Labcorp Genetics (formerly Invitae), Labcorp
Classification: Uncertain significance. Last evaluated: 2025-11-01. Review status: criteria provided, single submitter. Criteria: Invitae Variant Classification Sherloc (09022015). Collection method: clinical testing. Allele origin: germline.
Comment: This sequence change replaces glycine, which is neutral and non-polar, with aspartic acid, which is acidic and polar, at codon 124 of the DVL3 protein (p.Gly124Asp). The frequency data for this variant in the population databases is considered unreliable, as metrics indicate poor data quality at this position in the gnomAD database. This variant has not been reported in the literature in individuals affected with DVL3-related conditions. ClinVar contains an entry for this variant (Variation ID: 2353364). An algorithm developed to predict the effect of missense changes on protein structure and function (PolyPhen-2) suggests that this variant is likely to be tolerated. In summary, the available evidence is currently insufficient to determine the role of this variant in disease. Therefore, it has been classified as a Variant of Uncertain Significance.

Ambry Genetics
Classification: Uncertain significance for Inborn genetic diseases. Last evaluated: 2024-05-16. Review status: criteria provided, single submitter. Criteria: Ambry Variant Classification Scheme 2023. Collection method: clinical testing. Allele origin: germline.

NM_004423.4(DVL3):c.371G>A (p.Gly124Asp)

Gene: DVL3 (dishevelled segment polarity protein 3; plus strand). Cytogenetic location: 3q27.1.
Variant type: single nucleotide variant.
Coding change: c.371G>A on transcript NM_004423.4 (MANE Select); coding-DNA position 371, G replaced by A.
Protein change: p.Gly124Asp; replaces glycine 124 with aspartic acid.
Molecular consequence: missense variant.
Genome position (GRCh38, 1-based): chr3:184,164,509, G>A. VCF-style: chr3-184164509-G-A. GRCh37 (hg19) VCF-style: chr3-183882297-G-A.
Other names: short protein forms G124D.
Identifiers: ClinVar variation 2353364 (VCV002353364.6), dbSNP rs758521439, ClinGen allele CA2727070.